The following is an entry in ClinVar:

ClinVar aggregate classification (germline): Pathogenic (1 of 4 stars; one submission).

Conditions:
Retinoblastoma (RB1). Also called: RETINOBLASTOMA, SOMATIC. Identifiers: Orphanet 790, MedGen C0035335, MeSH D012175, MONDO:0008380, OMIM 180200, HP:0009919. Disease mechanism: loss of function. Inheritance: Both sporadic and heritable forms are tested..

Submission:

Labcorp Genetics (formerly Invitae), Labcorp
Classification: Pathogenic for Retinoblastoma. Last evaluated: 2024-10-31. Review status: criteria provided, single submitter. Criteria: Invitae Variant Classification Sherloc (09022015). Collection method: clinical testing. Allele origin: germline.
Comment: This sequence change creates a premature translational stop signal (p.Pro29Serfs*2) in the RB1 gene. It is expected to result in an absent or disrupted protein product. Loss-of-function variants in RB1 are known to be pathogenic (PMID: 17096365). This variant is not present in population databases (gnomAD no frequency). This variant has not been reported in the literature in individuals affected with RB1-related conditions. For these reasons, this variant has been classified as Pathogenic.

Literature cited by the submitters: PubMed 17096365.

NM_000321.3(RB1):c.84dup (p.Pro29fs)

Gene: RB1 (RB transcriptional corepressor 1; plus strand). Cytogenetic location: 13q14.2.
Variant type: Duplication.
Coding change: c.84dup on transcript NM_000321.3 (MANE Select); coding-DNA position 84, one base duplicated (T; older notation c.84dupT).
Protein change: p.Pro29fs; shifts the reading frame from proline 29.
Molecular consequence: frameshift variant.
Genome position (GRCh38, 1-based): chr13:48,303,996, T duplicated. VCF-style (leftmost placement, unchanged base first): chr13-48303995-C-CT. GRCh37 (hg19) VCF-style: chr13-48878131-C-CT.
Other names: c.84dup, p.Pro29fs (NM_001407165.1, NM_001407166.1, NM_001407167.1); short protein forms P29fs.
Identifiers: ClinVar variation 3721285 (VCV003721285.2).